The following is an entry in ClinVar:

NM_001868.4(CPA1):c.136G>A (p.Glu46Lys)

Gene: CPA1 (carboxypeptidase A1; plus strand). Cytogenetic location: 7q32.2.
Variant type: single nucleotide variant.
Coding change: c.136G>A on transcript NM_001868.4 (MANE Select); coding-DNA position 136, G replaced by A.
Protein change: p.Glu46Lys; replaces glutamic acid 46 with lysine.
Molecular consequence: missense variant.
Genome position (GRCh38, 1-based): chr7:130,381,168, G>A. VCF-style: chr7-130381168-G-A. GRCh37 (hg19) VCF-style: chr7-130021009-G-A.
Other names: short protein forms E46K.
Identifiers: ClinVar variation 1771016 (VCV001771016.2), dbSNP rs1554411115, ClinGen allele CA369279354.

ClinVar aggregate classification (germline): Uncertain significance (1 of 4 stars; one submission).

Conditions:
Hereditary pancreatitis (PCTT). Also called: PRSS1-Related Hereditary Pancreatitis; Hereditary chronic pancreatitis. Identifiers: Orphanet 676, MedGen C0238339, MONDO:0008185, OMIM 167800.

gnomAD v4.1: 1 of 1,612,600 alleles (0.000062%); no homozygotes.

Submission:

Ambry Genetics
Classification: Uncertain significance for Hereditary pancreatitis. Last evaluated: 2022-09-10. Review status: criteria provided, single submitter. Criteria: Ambry Variant Classification Scheme 2023. Collection method: clinical testing. Allele origin: germline.
Comment: The p.E46K variant (also known as c.136G>A), located in coding exon 2 of the CPA1 gene, results from a G to A substitution at nucleotide position 136. The glutamic acid at codon 46 is replaced by lysine, an amino acid with similar properties. This amino acid position is conserved. In addition, this alteration is predicted to be tolerated by in silico analysis. Since supporting evidence is limited at this time, the clinical significance of this alteration remains unclear.